The following is an entry in ClinVar:

ClinVar aggregate classification (germline): Uncertain significance (1 of 4 stars; one submission).

Submission:

Labcorp Genetics (formerly Invitae), Labcorp
Classification: Uncertain significance. Last evaluated: 2024-08-05. Review status: criteria provided, single submitter. Criteria: Invitae Variant Classification Sherloc (09022015). Collection method: clinical testing. Allele origin: germline.
Comment: This sequence change replaces valine, which is neutral and non-polar, with alanine, which is neutral and non-polar, at codon 737 of the RP1 protein (p.Val737Ala). This variant is not present in population databases (gnomAD no frequency). This variant has not been reported in the literature in individuals affected with RP1-related conditions. ClinVar contains an entry for this variant (Variation ID: 1478233). An algorithm developed to predict the effect of missense changes on protein structure and function outputs the following: PolyPhen-2: "Benign". The alanine amino acid residue is found in multiple mammalian species, which suggests that this missense change does not adversely affect protein function. In summary, the available evidence is currently insufficient to determine the role of this variant in disease. Therefore, it has been classified as a Variant of Uncertain Significance.

NM_006269.2(RP1):c.2210T>C (p.Val737Ala)

Gene: RP1 (RP1 axonemal microtubule associated; plus strand). Cytogenetic location: 8q12.1.
Variant type: single nucleotide variant.
Coding change: c.2210T>C on transcript NM_006269.2 (MANE Select); coding-DNA position 2210, T replaced by C.
Protein change: p.Val737Ala; replaces valine 737 with alanine.
Molecular consequence: missense variant. On other transcripts: intron variant (1).
Genome position (GRCh38, 1-based): chr8:54,626,092, T>C. VCF-style: chr8-54626092-T-C. GRCh37 (hg19) VCF-style: chr8-55538652-T-C.
Other names: c.787+3804T>C (NM_001375654.1); short protein forms V737A.
Identifiers: ClinVar variation 1478233 (VCV001478233.8), dbSNP rs2129316489, ClinGen allele CA370993000.
Genomic context (GRCh38, chr8:54,626,092, plus strand): 5'-CAGATAGTCCCCTTAAAGGAGGGATACTTTGTGAGGAAGACCTCCAGAAAAGTGATACTG[T>C]AATTGAATCAAATACTTTTTGTTCCAAAAGTAATCTCAATTCCACGATTTCCAAGAATTT-3'
Protein context (NP_006260.1, residues 727-747): CEEDLQKSDT[Val737Ala]IESNTFCSKS